The following is an entry in ClinVar:

ClinVar aggregate classification (germline): Uncertain significance. Review status: criteria provided, multiple submitters, no conflicts (2 of 4 stars). 2 submissions from 2 submitters: Uncertain significance (2). Last evaluated 2025-07-23.

Conditions:
Inborn genetic diseases. Identifiers: MedGen C0950123, MeSH D030342.

Allele frequency attached by ClinVar (database versions not stated): gnomAD exomes below 0.00001 and 0.00001; ExAC 0.00001; gnomAD 0.00001; 1000 Genomes Project 30x 0.00016; 1000 Genomes Project 0.00020.
gnomAD v4.1: 6 of 1,605,144 alleles (0.00037%); highest among the groups gnomAD compares: Admixed American, 0.0017%; no homozygotes.

Submissions (2):

Labcorp Genetics (formerly Invitae), Labcorp
Classification: Uncertain significance. Last evaluated: 2025-07-23. Review status: criteria provided, single submitter. Criteria: Invitae Variant Classification Sherloc (09022015). Collection method: clinical testing. Allele origin: germline.
Comment: This sequence change replaces glycine, which is neutral and non-polar, with serine, which is neutral and polar, at codon 247 of the ANXA11 protein (p.Gly247Ser). The frequency data for this variant in the population databases is considered unreliable, as metrics indicate poor data quality at this position in the gnomAD database. This variant has not been reported in the literature in individuals affected with ANXA11-related conditions. ClinVar contains an entry for this variant (Variation ID: 1496184). An algorithm developed to predict the effect of missense changes on protein structure and function (PolyPhen-2) suggests that this variant is likely to be disruptive. In summary, the available evidence is currently insufficient to determine the role of this variant in disease. Therefore, it has been classified as a Variant of Uncertain Significance.

Ambry Genetics
Classification: Uncertain significance for Inborn genetic diseases. Last evaluated: 2025-02-08. Review status: criteria provided, single submitter. Criteria: Ambry Variant Classification Scheme 2023. Collection method: clinical testing. Allele origin: germline.

NM_145868.2(ANXA11):c.739G>A (p.Gly247Ser)

Gene: ANXA11 (annexin A11; minus strand). Cytogenetic location: 10q22.3.
Variant type: single nucleotide variant.
Coding change: c.739G>A on transcript NM_145868.2 (MANE Select); coding-DNA position 739, G replaced by A.
Protein change: p.Gly247Ser; replaces glycine 247 with serine.
Molecular consequence: missense variant.
Genome position (GRCh38, 1-based): chr10:80,166,895, C>T on the plus strand (G>A on the coding strand, the complement: ANXA11 is on the minus strand). VCF-style: chr10-80166895-C-T. GRCh37 (hg19) VCF-style: chr10-81926651-C-T.
Other names: c.739G>A (NM_001157.2); c.739G>A, p.Gly247Ser (NM_001157.3, NM_001278407.2, NM_001278408.2 and 1 more transcripts); c.640G>A, p.Gly214Ser (NM_001278409.2); short protein forms G247S, G214S.
Identifiers: ClinVar variation 1496184 (VCV001496184.9), dbSNP rs147883184, ClinGen allele CA5576164.